The following is an entry in ClinVar:

ClinVar aggregate classification (germline): Uncertain significance. Review status: criteria provided, multiple submitters, no conflicts (2 of 4 stars). 2 submissions from 2 submitters: Uncertain significance (2). Last evaluated 2025-08-11.

Conditions:
Candidiasis, familial, 6 (CANDF6). Also called: Candidiasis, familial, 6, autosomal dominant. Identifiers: Orphanet 1334, MedGen C3151405, MONDO:0013503, OMIM 613956.

Allele frequency attached by ClinVar (database versions not stated): gnomAD exomes 0.00001; gnomAD 0.00003; TOPMed 0.00003; ExAC 0.00009; 1000 Genomes Project 30x 0.00016; 1000 Genomes Project 0.00020.

Submissions (2):

Labcorp Genetics (formerly Invitae), Labcorp
Classification: Uncertain significance for Candidiasis, familial, 6. Last evaluated: 2025-08-11. Review status: criteria provided, single submitter. Criteria: Invitae Variant Classification Sherloc (09022015). Collection method: clinical testing. Allele origin: germline.
Comment: This sequence change replaces alanine, which is neutral and non-polar, with proline, which is neutral and non-polar, at codon 23 of the IL17F protein (p.Ala23Pro). This variant is present in population databases (rs202158609, gnomAD 0.1%), and has an allele count higher than expected for a pathogenic variant. This variant has not been reported in the literature in individuals affected with IL17F-related conditions. ClinVar contains an entry for this variant (Variation ID: 2613081). An algorithm developed to predict the effect of missense changes on protein structure and function outputs the following: PolyPhen-2: "Benign". The proline amino acid residue is found in multiple mammalian species, which suggests that this missense change does not adversely affect protein function. In summary, the available evidence is currently insufficient to determine the role of this variant in disease. Therefore, it has been classified as a Variant of Uncertain Significance.

Ambry Genetics
Classification: Uncertain significance. Last evaluated: 2023-07-19. Review status: criteria provided, single submitter. Criteria: Ambry Variant Classification Scheme 2023. Collection method: clinical testing. Allele origin: germline.

NM_052872.4(IL17F):c.67G>C (p.Ala23Pro)

Gene: IL17F (interleukin 17F; minus strand). Cytogenetic location: 6p12.2.
Variant type: single nucleotide variant.
Coding change: c.67G>C on transcript NM_052872.4 (MANE Select); coding-DNA position 67, G replaced by C.
Protein change: p.Ala23Pro; replaces alanine 23 with proline.
Molecular consequence: missense variant.
Genome position (GRCh38, 1-based): chr6:52,238,917, C>G on the plus strand (G>C on the coding strand, the complement: IL17F is on the minus strand). VCF-style: chr6-52238917-C-G. GRCh37 (hg19) VCF-style: chr6-52103715-C-G.
Other names: short protein forms A23P.
Identifiers: ClinVar variation 2613081 (VCV002613081.5), dbSNP rs202158609, ClinGen allele CA3854453.